The following is an entry in ClinVar:

NM_025074.7(FRAS1):c.*1085C>T

Gene: FRAS1 (Fraser extracellular matrix complex subunit 1; plus strand). Cytogenetic location: 4q21.21.
Variant type: single nucleotide variant.
Coding change: c.*1085C>T on transcript NM_025074.7 (MANE Select); 1085 bases downstream of the stop codon, C replaced by T.
Molecular consequence: 3 prime UTR variant.
Genome position (GRCh38, 1-based): chr4:78,542,209, C>T. VCF-style: chr4-78542209-C-T. GRCh37 (hg19) VCF-style: chr4-79463363-C-T.
Identifiers: ClinVar variation 349845 (VCV000349845.5), dbSNP rs570309641, ClinGen allele CA10621796.

ClinVar aggregate classification (germline): Likely benign (1 of 4 stars; one submission).

Conditions:
Fraser syndrome 1 (FRASRS1). Also called: CRYPTOPHTHALMOS WITH OTHER MALFORMATIONS. Identifiers: Orphanet 2052, MedGen C4551480, MONDO:0054737, OMIM 219000.

Allele frequency attached by ClinVar (database versions not stated): gnomAD 0.00001 and 0.00034; TOPMed 0.00006; 1000 Genomes Project 30x 0.00141; 1000 Genomes Project 0.00160.

Submission:

Illumina Laboratory Services, Illumina
Classification: Likely benign for Fraser syndrome 1. Last evaluated: 2018-01-13. Review status: criteria provided, single submitter. Criteria: ICSL Variant Classification Criteria 13 December 2019. Collection method: clinical testing. Allele origin: germline.
Comment: This variant was observed in the ICSL laboratory as part of a predisposition screen in an ostensibly healthy population. It had not been previously curated by ICSL or reported in the Human Gene Mutation Database (HGMD: prior to June 1st, 2018), and was therefore a candidate for classification through an automated scoring system. Utilizing variant allele frequency, disease prevalence and penetrance estimates, and inheritance mode, an automated score was calculated to assess if this variant is too frequent to cause the disease. Based on the score and internal cut-off values, a variant classified as likely benign is not then subjected to further curation. The score for this variant resulted in a classification of likely benign for this disease.